The following is an entry in ClinVar:

NM_018089.3(ANKZF1):c.1293A>C (p.Glu431Asp)

Gene: ANKZF1 (ankyrin repeat and zinc finger peptidyl tRNA hydrolase 1; plus strand). Cytogenetic location: 2q35.
Variant type: single nucleotide variant.
Coding change: c.1293A>C on transcript NM_018089.3 (MANE Select); coding-DNA position 1293, A replaced by C.
Protein change: p.Glu431Asp; replaces glutamic acid 431 with aspartic acid.
Molecular consequence: missense variant.
Genome position (GRCh38, 1-based): chr2:219,234,914, A>C. VCF-style: chr2-219234914-A-C. GRCh37 (hg19) VCF-style: chr2-220099636-A-C.
Other names: c.1293A>C, p.Glu431Asp (NM_001042410.2); c.663A>C, p.Glu221Asp (NM_001282792.2); short protein forms E221D, E431D.
Identifiers: ClinVar variation 3606273 (VCV003606273.2).
Genomic context (GRCh38, chr2:219,234,914, plus strand): 5'-TCAGGTAGAGTTGGAGCTAGTGGAGTTGACTGTGGGGACTCTGGATCTTTGTGAGTCTGA[A>C]GTATTGCCCAAGCGGAGGAGGAGAAAAAGGAATAAGAAGGAGAAAAGCCGAGACCAGGAG-3'
Protein context (NP_060559.2, residues 421-441): TVGTLDLCES[Glu431Asp]VLPKRRRRKR

ClinVar aggregate classification (germline): Uncertain significance (1 of 4 stars; one submission).

gnomAD v4.1: 2 of 1,614,066 alleles (0.00012%); highest among the groups gnomAD compares: South Asian, 0.0011%; no homozygotes.

Submission:

Labcorp Genetics (formerly Invitae), Labcorp
Classification: Uncertain significance. Last evaluated: 2025-02-27. Review status: criteria provided, single submitter. Criteria: Invitae Variant Classification Sherloc (09022015). Collection method: clinical testing. Allele origin: germline.
Comment: This sequence change replaces glutamic acid, which is acidic and polar, with aspartic acid, which is acidic and polar, at codon 431 of the ANKZF1 protein (p.Glu431Asp). This variant is present in population databases (rs749144113, gnomAD 0.0009%). This variant has not been reported in the literature in individuals affected with ANKZF1-related conditions. An algorithm developed to predict the effect of missense changes on protein structure and function outputs the following: PolyPhen-2: "Benign". The aspartic acid amino acid residue is found in multiple mammalian species, which suggests that this missense change does not adversely affect protein function. In summary, the available evidence is currently insufficient to determine the role of this variant in disease. Therefore, it has been classified as a Variant of Uncertain Significance.